The following is an entry in ClinVar:

ClinVar aggregate classification (germline): Uncertain significance. Review status: criteria provided, multiple submitters, no conflicts (2 of 4 stars). 2 submissions from 2 submitters: Uncertain significance (2). Last evaluated 2025-08-05.

Conditions:
Inborn genetic diseases. Identifiers: MedGen C0950123, MeSH D030342.
Muscular dystrophy-dystroglycanopathy (congenital with brain and eye anomalies), type a, 8 (MDDGA8). Also called: WALKER-WARBURG SYNDROME OR MUSCLE-EYE-BRAIN DISEASE, GTDC2-RELATED. Identifiers: Orphanet 899, MedGen C3553813, MONDO:0013904, OMIM 614830.

Allele frequency attached by ClinVar (database versions not stated): gnomAD exomes below 0.00001; ExAC 0.00002; TOPMed 0.00003; gnomAD 0.00004.
gnomAD v4.1: 16 of 1,614,116 alleles (0.00099%); highest among the groups gnomAD compares: Middle Eastern, 0.016%; no homozygotes.

Submissions (2):

Ambry Genetics
Classification: Uncertain significance for Inborn genetic diseases. Last evaluated: 2025-08-05. Review status: criteria provided, single submitter. Criteria: Ambry Variant Classification Scheme 2023. Collection method: clinical testing. Allele origin: germline.

Labcorp Genetics (formerly Invitae), Labcorp
Classification: Uncertain significance for Muscular dystrophy-dystroglycanopathy (congenital with brain and eye anomalies), type a, 8. Last evaluated: 2023-10-03. Review status: criteria provided, single submitter. Criteria: Invitae Variant Classification Sherloc (09022015). Collection method: clinical testing. Allele origin: germline.
Comment: This sequence change replaces proline, which is neutral and non-polar, with leucine, which is neutral and non-polar, at codon 146 of the POMGNT2 protein (p.Pro146Leu). This variant is present in population databases (rs780964337, gnomAD 0.002%). This variant has not been reported in the literature in individuals affected with POMGNT2-related conditions. ClinVar contains an entry for this variant (Variation ID: 653163). Advanced modeling of protein sequence and biophysical properties (such as structural, functional, and spatial information, amino acid conservation, physicochemical variation, residue mobility, and thermodynamic stability) performed at Invitae indicates that this missense variant is not expected to disrupt POMGNT2 protein function. In summary, the available evidence is currently insufficient to determine the role of this variant in disease. Therefore, it has been classified as a Variant of Uncertain Significance.

NM_032806.6(POMGNT2):c.437C>T (p.Pro146Leu)

Gene: POMGNT2 (protein O-linked mannose N-acetylglucosaminyltransferase 2 (beta 1,4-); minus strand). Cytogenetic location: 3p22.1.
Variant type: single nucleotide variant.
Coding change: c.437C>T on transcript NM_032806.6 (MANE Select); coding-DNA position 437, C replaced by T.
Protein change: p.Pro146Leu; replaces proline 146 with leucine.
Molecular consequence: missense variant.
Genome position (GRCh38, 1-based): chr3:43,080,995, G>A on the plus strand (C>T on the coding strand, the complement: POMGNT2 is on the minus strand). VCF-style: chr3-43080995-G-A. GRCh37 (hg19) VCF-style: chr3-43122487-G-A.
Other names: c.437C>T (NM_032806.4); short protein forms P146L.
Identifiers: ClinVar variation 653163 (VCV000653163.4), dbSNP rs780964337, ClinGen allele CA2340082.
Genomic context (GRCh38, chr3:43,080,995, plus strand): 5'-TGCATGAGGTTGTCGGGGTTGAAGCGGTTGGCGATGAGGGCCACGTCTGGCACGAACACC[G>A]GCTTGGGCATGAAGCGCAGGGCAGCAGCAGGCAGCTCCACGAAGTTGAAGTACTGAGTGT-3'
Protein context (NP_116195.2, residues 136-156): PAAALRFMPK[Pro146Leu]VFVPDVALIA